The following is an entry in ClinVar:

NM_003742.4(ABCB11):c.3638G>T (p.Gly1213Val)

Gene: ABCB11 (ATP binding cassette subfamily B member 11; minus strand). Cytogenetic location: 2q31.1.
Variant type: single nucleotide variant.
Coding change: c.3638G>T on transcript NM_003742.4 (MANE Select); coding-DNA position 3638, G replaced by T.
Protein change: p.Gly1213Val; replaces glycine 1213 with valine.
Molecular consequence: missense variant.
Genome position (GRCh38, 1-based): chr2:168,924,784, C>A on the plus strand (G>T on the coding strand, the complement: ABCB11 is on the minus strand). VCF-style: chr2-168924784-C-A. GRCh37 (hg19) VCF-style: chr2-169781294-C-A.
Other names: short protein forms G1213V.
Identifiers: ClinVar variation 4846010 (VCV004846010.1).

ClinVar aggregate classification (germline): Uncertain significance (1 of 4 stars; one submission).

Conditions:
Familial intrahepatic cholestasis. Identifiers: Orphanet 284385, MedGen CN296401, MONDO:0017290.

Submission:

Genomenon, Inc
Classification: Uncertain significance for Familial intrahepatic cholestasis. Last evaluated: 2026-04-14. Review status: criteria provided, single submitter. Criteria: Genomenon Sequence Variant Interpretation Standards - Updated. Collection method: curation. Allele origin: germline. Affected: yes.
Comment: ABCB11 p.Gly1213Val (c.3638G>T) is a missense variant that changes the amino acid at residue 1213 from Glycine to Valine. This variant has been observed in at least one proband with an ABCB11-related disorder (PMID:32808743;32289814). The variant was found to segregate with disease in at least one affected family (PMID:32289814). It is absent or not present at a significant frequency in gnomAD. In silico models predict that this variant is possibly or probably damaging. In conclusion, we classify ABCB11 p.Gly1213Val (c.3638G>T) as a variant of uncertain significance.

Literature cited by the submitters: PubMed 32808743; PubMed 32289814.